The following is an entry in ClinVar:

NM_001854.4(COL11A1):c.4927T>C (p.Ser1643Pro)

Gene: COL11A1 (collagen type XI alpha 1 chain; minus strand). Cytogenetic location: 1p21.1.
Variant type: single nucleotide variant.
Coding change: c.4927T>C on transcript NM_001854.4 (MANE Select); coding-DNA position 4927, T replaced by C.
Protein change: p.Ser1643Pro; replaces serine 1643 with proline.
Molecular consequence: missense variant. On other transcripts: non-coding transcript variant (1).
Genome position (GRCh38, 1-based): chr1:102,883,243, A>G on the plus strand (T>C on the coding strand, the complement: COL11A1 is on the minus strand). VCF-style: chr1-102883243-A-G. GRCh37 (hg19) VCF-style: chr1-103348799-A-G.
Other names: c.4579T>C, p.Ser1527Pro (NM_080630.4, NM_001168249.1); c.4810T>C, p.Ser1604Pro (NM_001190709.2); c.4963T>C, p.Ser1655Pro (NM_080629.3); short protein forms S1604P, S1643P, S1527P, S1655P.
Identifiers: ClinVar variation 2820723 (VCV002820723.3), dbSNP rs1323227249, ClinGen allele CA341211526.

ClinVar aggregate classification (germline): Uncertain significance (1 of 4 stars; one submission).

Allele frequency attached by ClinVar (database versions not stated): gnomAD 0.00001; TOPMed 0.00001.
gnomAD v4.1: 1 of 1,613,552 alleles (0.000062%); highest among the groups gnomAD compares: Non-Finnish European, 0.000085%; no homozygotes.

Submission:

Labcorp Genetics (formerly Invitae), Labcorp
Classification: Uncertain significance. Last evaluated: 2024-04-11. Review status: criteria provided, single submitter. Criteria: Invitae Variant Classification Sherloc (09022015). Collection method: clinical testing. Allele origin: germline.
Comment: This sequence change replaces serine, which is neutral and polar, with proline, which is neutral and non-polar, at codon 1643 of the COL11A1 protein (p.Ser1643Pro). This variant is not present in population databases (gnomAD no frequency). This variant has not been reported in the literature in individuals affected with COL11A1-related conditions. Advanced modeling of protein sequence and biophysical properties (such as structural, functional, and spatial information, amino acid conservation, physicochemical variation, residue mobility, and thermodynamic stability) has been performed at Invitae for this missense variant, however the output from this modeling did not meet the statistical confidence thresholds required to predict the impact of this variant on COL11A1 protein function. In summary, the available evidence is currently insufficient to determine the role of this variant in disease. Therefore, it has been classified as a Variant of Uncertain Significance.